The following is an entry in ClinVar:

NM_182961.4(SYNE1):c.8177+10C>T

Gene: SYNE1 (spectrin repeat containing nuclear envelope protein 1; minus strand). Cytogenetic location: 6q25.2.
Variant type: single nucleotide variant.
Coding change: c.8177+10C>T on transcript NM_182961.4 (MANE Select); 10 bases into the intron after coding-DNA position 8177, C replaced by T.
Molecular consequence: intron variant.
Genome position (GRCh38, 1-based): chr6:152,390,270, G>A on the plus strand (C>T on the coding strand, the complement: SYNE1 is on the minus strand). VCF-style: chr6-152390270-G-A. GRCh37 (hg19) VCF-style: chr6-152711405-G-A.
Other names: c.8198+10C>T (NM_033071.5).
Identifiers: ClinVar variation 3571640 (VCV003571640.1).

ClinVar aggregate classification (germline): Uncertain significance (1 of 4 stars; one submission).

Submission:

Athena Diagnostics
Classification: Uncertain significance. Last evaluated: 2024-11-19. Review status: criteria provided, single submitter. Criteria: Athena Diagnostics Criteria. Collection method: clinical testing. Allele origin: unknown.
Comment: Available data are insufficient to determine the clinical significance of the variant at this time. This variant has not been reported in large, multi-ethnic general populations. Computational tools yielded predictions that this variant is unlikely to have an effect on normal RNA splicing.